The following is an entry in ClinVar:

ClinVar aggregate classification (germline): Uncertain significance (1 of 4 stars; one submission).

Conditions:
Sacral agenesis-abnormal ossification of the vertebral bodies-persistent notochordal canal syndrome. Also called: Sacral agenesis with vertebral anomalies. Identifiers: Orphanet 397927, MedGen C3810343, MONDO:0014314, OMIM 615709.
Neural tube defects, susceptibility to. Identifiers: MedGen C3891448, MONDO:0020705, OMIM 182940.

Submission:

Juno Genomics, Hangzhou Juno Genomics, Inc
Classification: Uncertain significance for Neural tube defects, susceptibility to; Sacral agenesis-abnormal ossification of the vertebral bodies-persistent notochordal canal syndrome. Review status: criteria provided, single submitter. Criteria: ACMG Guidelines, 2015. Collection method: clinical testing. Allele origin: germline.
Comment: Absent from controls (or at extremely low frequency if recessive) in Genome Aggregation Database.;Multiple lines of computational evidence support a deleterious effect on the gene or gene product.

NM_001366285.2(TBXT):c.385T>C (p.Ser129Pro)

Gene: TBXT (T-box transcription factor T; minus strand). Cytogenetic location: 6q27.
Variant type: single nucleotide variant.
Coding change: c.385T>C on transcript NM_001366285.2 (MANE Select); coding-DNA position 385, T replaced by C.
Protein change: p.Ser129Pro; replaces serine 129 with proline.
Molecular consequence: missense variant.
Genome position (GRCh38, 1-based): chr6:166,166,678, A>G on the plus strand (T>C on the coding strand, the complement: TBXT is on the minus strand). VCF-style: chr6-166166678-A-G. GRCh37 (hg19) VCF-style: chr6-166580166-A-G.
Other names: c.385T>C, p.Ser129Pro (NM_001270484.2, NM_001366286.2, NM_003181.4); short protein forms S129P.
Identifiers: ClinVar variation 5019677 (VCV005019677.2).